The following is an entry in ClinVar:

NM_001386393.1(PANK2):c.367A>G (p.Ile123Val)

Gene: PANK2 (pantothenate kinase 2; plus strand). Cytogenetic location: 20p13.
Variant type: single nucleotide variant.
Coding change: c.367A>G on transcript NM_001386393.1 (MANE Select); coding-DNA position 367, A replaced by G.
Protein change: p.Ile123Val; replaces isoleucine 123 with valine.
Molecular consequence: missense variant. On other transcripts: 5 prime UTR variant (4), non-coding transcript variant (1).
Genome position (GRCh38, 1-based): chr20:3,907,994, A>G. VCF-style: chr20-3907994-A-G. GRCh37 (hg19) VCF-style: chr20-3888641-A-G.
Other names: c.-177A>G (NM_001324191.2, NM_024960.6, NM_153640.4); c.697A>G, p.Ile233Val (NM_001324192.1, NM_153638.4); c.-469A>G (NM_001324193.2); short protein forms I123V, I233V.
Identifiers: ClinVar variation 1445493 (VCV001445493.9), dbSNP rs2146859343, ClinGen allele CA408112290.

ClinVar aggregate classification (germline): Uncertain significance (1 of 4 stars; one submission).

Conditions:
Pigmentary pallidal degeneration (NBIA1). Also called: PKAN NEUROAXONAL DYSTROPHY, JUVENILE-ONSET; HARP SYNDROME; Pantothenate Kinase-Associated Neurodegeneration; Neuroaxonal dystrophy, late infantile; Hallervorden-Spatz disease; Neurodegeneration with brain iron accumulation 1. Identifiers: Orphanet 157850, MedGen C0018523, MONDO:0009319, OMIM 234200.

Allele frequency attached by ClinVar (database versions not stated): gnomAD exomes below 0.00001.
gnomAD v4.1: 1 of 1,614,202 alleles (0.000062%); highest among the groups gnomAD compares: Non-Finnish European, 0.000085%; no homozygotes.

Submission:

Labcorp Genetics (formerly Invitae), Labcorp
Classification: Uncertain significance for Pigmentary pallidal degeneration. Last evaluated: 2022-08-23. Review status: criteria provided, single submitter. Criteria: Invitae Variant Classification Sherloc (09022015). Collection method: clinical testing. Allele origin: germline.
Comment: In summary, the available evidence is currently insufficient to determine the role of this variant in disease. Therefore, it has been classified as a Variant of Uncertain Significance. Algorithms developed to predict the effect of missense changes on protein structure and function (SIFT, PolyPhen-2, Align-GVGD) all suggest that this variant is likely to be tolerated. ClinVar contains an entry for this variant (Variation ID: 1445493). This variant has not been reported in the literature in individuals affected with PANK2-related conditions. This variant is not present in population databases (gnomAD no frequency). This sequence change replaces isoleucine, which is neutral and non-polar, with valine, which is neutral and non-polar, at codon 233 of the PANK2 protein (p.Ile233Val).